The following is an entry in ClinVar:

NM_001376013.1(EPB41):c.1838C>A (p.Ala613Glu)

Gene: EPB41 (erythrocyte membrane protein band 4.1; plus strand). Cytogenetic location: 1p35.3.
Variant type: single nucleotide variant.
Coding change: c.1838C>A on transcript NM_001376013.1 (MANE Select); coding-DNA position 1838, C replaced by A.
Protein change: p.Ala613Glu; replaces alanine 613 with glutamic acid.
Molecular consequence: missense variant.
Genome position (GRCh38, 1-based): chr1:29,053,305, C>A. VCF-style: chr1-29053305-C-A. GRCh37 (hg19) VCF-style: chr1-29379817-C-A.
Other names: c.1838C>A, p.Ala613Glu (NM_001166005.2, NM_001166006.2, NM_001376014.1 and 5 more transcripts); c.1211C>A, p.Ala404Glu (NM_001166007.2, NM_001376022.1, NM_001376023.1 and 5 more transcripts); c.1208C>A, p.Ala403Glu (NM_001376026.1, NM_001376028.1); c.1733C>A, p.Ala578Glu (NM_203343.3); c.1835C>A, p.Ala612Glu (NM_001376018.1, NM_001376020.1); short protein forms A403E, A404E, A578E, A612E, A613E.
Identifiers: ClinVar variation 2441249 (VCV002441249.4), dbSNP rs751257027, ClinGen allele CA724625.

ClinVar aggregate classification (germline): Uncertain significance. Review status: criteria provided, single submitter (1 of 4 stars). 2 submissions from 2 submitters: Uncertain significance (1). 1 of the submissions does not count toward it. Last evaluated 2019-03-21.

Conditions:
Elliptocytosis 1 (EL1). Also called: 4.1- TRAIT; 4.1-MINUS TRAIT; ELLIPTOCYTOSIS, RHESUS-LINKED TYPE; PROTEIN 4.1 OF ERYTHROCYTE MEMBRANE, DEFECT OF. Identifiers: Orphanet 288, MedGen C2678497, MONDO:0012731, OMIM 611804.
EPB41-related disorder. Also called: EPB41-related condition.

gnomAD v4.1: 1 of 1,614,184 alleles (0.000062%); highest among the groups gnomAD compares: South Asian, 0.0011%; no homozygotes.

Submissions (2):

Revvity Omics, Revvity
Classification: Uncertain significance for Elliptocytosis 1. Last evaluated: 2019-03-21. Review status: criteria provided, single submitter. Criteria: ACMG Guidelines, 2015. Collection method: clinical testing. Allele origin: germline.

PreventionGenetics, part of Exact Sciences
Classification: Uncertain significance for EPB41-related condition. Last evaluated: 2024-09-18. Review status: no assertion criteria provided. Collection method: clinical testing. Allele origin: germline. Not counted in ClinVar's aggregate classification.
Comment: The EPB41 c.1211C>A variant is predicted to result in the amino acid substitution p.Ala404Glu. To our knowledge, this variant has not been reported in the literature. This variant is reported in 0.0033% of alleles in individuals of South Asian descent in gnomAD. At this time, the clinical significance of this variant is uncertain due to the absence of conclusive functional and genetic evidence.